The following is an entry in ClinVar:

ClinVar aggregate classification (germline): Uncertain significance. Review status: criteria provided, multiple submitters, no conflicts (2 of 4 stars). 2 submissions from 2 submitters: Uncertain significance (2). Last evaluated 2025-05-23.

Conditions:
Inborn genetic diseases. Identifiers: MedGen C0950123, MeSH D030342.

Allele frequency attached by ClinVar (database versions not stated): gnomAD exomes 0.00001; gnomAD 0.00001; TOPMed 0.00002.
gnomAD v4.1: 46 of 1,614,010 alleles (0.0029%); highest among the groups gnomAD compares: Non-Finnish European, 0.0038%; no homozygotes.

Submissions (2):

Ambry Genetics
Classification: Uncertain significance for Inborn genetic diseases. Last evaluated: 2025-05-23. Review status: criteria provided, single submitter. Criteria: Ambry Variant Classification Scheme 2023. Collection method: clinical testing. Allele origin: germline.

Labcorp Genetics (formerly Invitae), Labcorp
Classification: Uncertain significance. Last evaluated: 2021-08-28. Review status: criteria provided, single submitter. Criteria: Invitae Variant Classification Sherloc (09022015). Collection method: clinical testing. Allele origin: germline.
Comment: This sequence change replaces threonine with serine at codon 1425 of the NBAS protein (p.Thr1425Ser). The threonine residue is highly conserved and there is a small physicochemical difference between threonine and serine. This variant is not present in population databases (ExAC no frequency). This variant has not been reported in the literature in individuals affected with NBAS-related conditions. Algorithms developed to predict the effect of missense changes on protein structure and function (SIFT, PolyPhen-2, Align-GVGD) all suggest that this variant is likely to be disruptive. In summary, the available evidence is currently insufficient to determine the role of this variant in disease. Therefore, it has been classified as a Variant of Uncertain Significance.

NM_015909.4(NBAS):c.4274C>G (p.Thr1425Ser)

Gene: NBAS (NBAS subunit of NRZ tethering complex; minus strand). Cytogenetic location: 2p24.3.
Variant type: single nucleotide variant.
Coding change: c.4274C>G on transcript NM_015909.4 (MANE Select); coding-DNA position 4274, C replaced by G.
Protein change: p.Thr1425Ser; replaces threonine 1425 with serine.
Molecular consequence: missense variant. On other transcripts: non-coding transcript variant (1).
Genome position (GRCh38, 1-based): chr2:15,330,671, G>C on the plus strand (C>G on the coding strand, the complement: NBAS is on the minus strand). VCF-style: chr2-15330671-G-C. GRCh37 (hg19) VCF-style: chr2-15470795-G-C.
Other names: c.4274C>G (NM_015909.2); short protein forms T1425S.
Identifiers: ClinVar variation 1523700 (VCV001523700.6), dbSNP rs887483687, ClinGen allele CA42610030.